The following is an entry in ClinVar:

NM_001042681.2(RERE):c.1775C>T (p.Pro592Leu)

Gene: RERE (arginine-glutamic acid dipeptide repeats; minus strand). Cytogenetic location: 1p36.23.
Variant type: single nucleotide variant.
Coding change: c.1775C>T on transcript NM_001042681.2 (MANE Select); coding-DNA position 1775, C replaced by T.
Protein change: p.Pro592Leu; replaces proline 592 with leucine.
Molecular consequence: missense variant.
Genome position (GRCh38, 1-based): chr1:8,362,810, G>A on the plus strand (C>T on the coding strand, the complement: RERE is on the minus strand). VCF-style: chr1-8362810-G-A. GRCh37 (hg19) VCF-style: chr1-8422870-G-A.
Other names: c.113C>T, p.Pro38Leu (NM_001042682.2); c.1775C>T, p.Pro592Leu (NM_012102.4); short protein forms P38L, P592L.
Identifiers: ClinVar variation 3015325 (VCV003015325.3), dbSNP rs776000631, ClinGen allele CA571549.

ClinVar aggregate classification (germline): Uncertain significance (1 of 4 stars; one submission).

Allele frequency attached by ClinVar (database versions not stated): TOPMed below 0.00001; ExAC 0.00001; gnomAD exomes 0.00001.
gnomAD v4.1: 9 of 1,613,926 alleles (0.00056%); highest among the groups gnomAD compares: Admixed American, 0.0017%; no homozygotes.

Submission:

Labcorp Genetics (formerly Invitae), Labcorp
Classification: Uncertain significance. Last evaluated: 2023-07-26. Review status: criteria provided, single submitter. Criteria: Invitae Variant Classification Sherloc (09022015). Collection method: clinical testing. Allele origin: germline.
Comment: This sequence change replaces proline, which is neutral and non-polar, with leucine, which is neutral and non-polar, at codon 592 of the RERE protein (p.Pro592Leu). Advanced modeling of protein sequence and biophysical properties (such as structural, functional, and spatial information, amino acid conservation, physicochemical variation, residue mobility, and thermodynamic stability) has been performed at Invitae for this missense variant, however the output from this modeling did not meet the statistical confidence thresholds required to predict the impact of this variant on RERE protein function. In summary, the available evidence is currently insufficient to determine the role of this variant in disease. Therefore, it has been classified as a Variant of Uncertain Significance. This variant has not been reported in the literature in individuals affected with RERE-related conditions. This variant is present in population databases (rs776000631, gnomAD 0.002%).